The following is an entry in ClinVar:

ClinVar aggregate classification (germline): Conflicting classifications of pathogenicity. Review status: criteria provided, conflicting classifications (1 of 4 stars). 9 submissions from 9 submitters: Uncertain significance (3); Benign (1); Likely benign (4). 1 of the submissions does not count toward it. Last evaluated 2025-12-27.

Conditions:
TSC1-related disorder. Also called: TSC1-related condition.
Tuberous sclerosis syndrome (TSC). Also called: Tuberous Sclerosis Complex; Tuberous sclerosis. Identifiers: Orphanet 805, MedGen C0041341, MONDO:0001734.
Tuberous sclerosis 1 (TSC1). Identifiers: Orphanet 805, MedGen C1854465, MONDO:0008612, OMIM 191100.
Hereditary cancer-predisposing syndrome. Also called: Tumor predisposition; Neoplastic Syndromes, Hereditary; Hereditary Cancer Syndrome; Hereditary neoplastic syndrome. Identifiers: Orphanet 140162, MedGen C0027672, MeSH D009386, MONDO:0015356.

Allele frequency attached by ClinVar (database versions not stated): TOPMed 0.00001; gnomAD 0.00002; gnomAD exomes 0.00005.
gnomAD v4.1: 75 of 1,614,060 alleles (0.0046%); highest among the groups gnomAD compares: Non-Finnish European, 0.0058%; no homozygotes.

Submissions (9):

Labcorp Genetics (formerly Invitae), Labcorp
Classification: Benign for Tuberous sclerosis 1. Last evaluated: 2025-12-27. Review status: criteria provided, single submitter. Criteria: Invitae Variant Classification Sherloc (09022015). Collection method: clinical testing. Allele origin: germline.

Color Diagnostics, LLC DBA Color Health
Classification: Uncertain significance for Tuberous sclerosis syndrome. Last evaluated: 2025-06-12. Review status: criteria provided, single submitter. Criteria: ACMG Guidelines, 2015. Collection method: clinical testing. Allele origin: germline.
Comment: This missense variant replaces lysine with arginine at codon 30 of the TSC1 protein. Computational prediction suggests that this variant may not impact protein structure and function. To our knowledge, functional studies have not been reported for this variant. This variant has not been reported in individuals affected with TSC1-related disorders in the literature. This variant has been identified in 1/31406 chromosomes in the general population by the Genome Aggregation Database (gnomAD). The available evidence is insufficient to determine the role of this variant in disease conclusively. Therefore, this variant is classified as a Variant of Uncertain Significance.

All of Us Research Program, National Institutes of Health
Classification: Uncertain significance for Tuberous sclerosis syndrome. Last evaluated: 2024-08-06. Review status: criteria provided, single submitter. Criteria: ACMG Guidelines, 2015. Collection method: clinical testing. Allele origin: germline. Inheritance: Autosomal dominant inheritance. Observed: 6 variant alleles, 6 heterozygotes.
Comment: This missense variant replaces lysine with arginine at codon 30 of the TSC1 protein. Computational prediction suggests that this variant may not impact protein structure and function (internally defined REVEL score threshold <= 0.5, PMID: 27666373). To our knowledge, functional studies have not been reported for this variant. This variant has not been reported in individuals affected with TSC1-related disorders in the literature. This variant has been identified in 1/31406 chromosomes in the general population by the Genome Aggregation Database (gnomAD). The available evidence is insufficient to determine the role of this variant in disease conclusively. Therefore, this variant is classified as a Variant of Uncertain Significance.

This study involves interpretation of variants in research participants for the purpose of population health screening. Participant phenotype was not available at the time of variant classification. Additional details can be found in publication PMID: 35346344, PMCID: PMC8962531

Blueprint Genetics
Classification: Likely benign. Last evaluated: 2024-03-12. Review status: criteria provided, single submitter. Criteria: ACMG Guidelines, 2015. Collection method: clinical testing. Allele origin: germline.

Ambry Genetics
Classification: Likely benign for Hereditary cancer-predisposing syndrome. Last evaluated: 2022-09-28. Review status: criteria provided, single submitter. Criteria: Ambry Variant Classification Scheme 2023. Collection method: clinical testing. Allele origin: germline.

Genome-Nilou Lab
Classification: Likely benign for Tuberous sclerosis 1. Last evaluated: 2021-11-07. Review status: criteria provided, single submitter. Criteria: ACMG Guidelines, 2015. Collection method: clinical testing. Allele origin: germline. Affected: no.

CeGaT Center for Human Genetics Tuebingen
Classification: Uncertain significance. Last evaluated: 2021-10-01. Review status: criteria provided, single submitter. Criteria: CeGaT Center For Human Genetics Tuebingen Variant Classification Criteria Version 2. Collection method: clinical testing. Allele origin: germline. Affected: yes. Observed: 1 variant allele.

GeneDx
Classification: Likely benign. Last evaluated: 2020-03-13. Review status: criteria provided, single submitter. Criteria: GeneDx Variant Classification Process June 2021. Collection method: clinical testing. Allele origin: germline. Affected: yes.
Comment: In silico analysis supports that this missense variant does not alter protein structure/function; This variant is associated with the following publications: (PMID: 28805986)

PreventionGenetics, part of Exact Sciences
Classification: Likely benign for TSC1-related condition. Last evaluated: 2020-09-01. Review status: no assertion criteria provided. Collection method: clinical testing. Allele origin: germline. Not counted in ClinVar's aggregate classification.
Comment: This variant is classified as likely benign based on ACMG/AMP sequence variant interpretation guidelines (Richards et al. 2015 PMID: 25741868, with internal and published modifications).

NM_000368.5(TSC1):c.89A>G (p.Lys30Arg)

Gene: TSC1 (TSC complex subunit 1; minus strand). Cytogenetic location: 9q34.13.
Variant type: single nucleotide variant.
Coding change: c.89A>G on transcript NM_000368.5 (MANE Select); coding-DNA position 89, A replaced by G.
Protein change: p.Lys30Arg; replaces lysine 30 with arginine.
Molecular consequence: missense variant. On other transcripts: 5 prime UTR variant (1).
Genome position (GRCh38, 1-based): chr9:132,928,784, T>C on the plus strand (A>G on the coding strand, the complement: TSC1 is on the minus strand). VCF-style: chr9-132928784-T-C. GRCh37 (hg19) VCF-style: chr9-135804171-T-C.
Other names: p.K30R:AAA>AGA; c.89A>G, p.Lys30Arg (NM_001162426.2, NM_001162427.2); c.-171A>G (NM_001362177.2); short protein forms K30R.
Identifiers: ClinVar variation 207623 (VCV000207623.59), dbSNP rs796053452, ClinGen allele CA319269.